The following is an entry in ClinVar:

NM_001384732.1(CPLANE1):c.5247G>C (p.Trp1749Cys)

Gene: CPLANE1 (ciliogenesis and planar polarity effector complex subunit 1; minus strand). Cytogenetic location: 5p13.2.
Variant type: single nucleotide variant.
Coding change: c.5247G>C on transcript NM_001384732.1 (MANE Select); coding-DNA position 5247, G replaced by C.
Protein change: p.Trp1749Cys; replaces tryptophan 1749 with cysteine.
Molecular consequence: missense variant.
Genome position (GRCh38, 1-based): chr5:37,182,934, C>G on the plus strand (G>C on the coding strand, the complement: CPLANE1 is on the minus strand). VCF-style: chr5-37182934-C-G. GRCh37 (hg19) VCF-style: chr5-37183036-C-G.
Other names: c.5247G>C, p.Trp1749Cys (NM_023073.4); short protein forms W1749C.
Identifiers: ClinVar variation 2003842 (VCV002003842.4), dbSNP rs2547823518, ClinGen allele CA359492956.

ClinVar aggregate classification (germline): Uncertain significance (1 of 4 stars; one submission).

Submission:

Labcorp Genetics (formerly Invitae), Labcorp
Classification: Uncertain significance. Last evaluated: 2022-10-14. Review status: criteria provided, single submitter. Criteria: Invitae Variant Classification Sherloc (09022015). Collection method: clinical testing. Allele origin: germline.
Comment: This sequence change replaces tryptophan, which is neutral and slightly polar, with cysteine, which is neutral and slightly polar, at codon 1749 of the CPLANE1 protein (p.Trp1749Cys). This variant is not present in population databases (gnomAD no frequency). This variant has not been reported in the literature in individuals affected with CPLANE1-related conditions. Advanced modeling of protein sequence and biophysical properties (such as structural, functional, and spatial information, amino acid conservation, physicochemical variation, residue mobility, and thermodynamic stability) performed at Invitae indicates that this missense variant is expected to disrupt CPLANE1 protein function. In summary, the available evidence is currently insufficient to determine the role of this variant in disease. Therefore, it has been classified as a Variant of Uncertain Significance.